The following is an entry in ClinVar:

NM_001374385.1(ATP8B1):c.1208C>A (p.Ser403Tyr)

Gene: ATP8B1 (ATPase phospholipid transporting 8B1; minus strand). Cytogenetic location: 18q21.31.
Variant type: single nucleotide variant.
Coding change: c.1208C>A on transcript NM_001374385.1 (MANE Select); coding-DNA position 1208, C replaced by A.
Protein change: p.Ser403Tyr; replaces serine 403 with tyrosine.
Molecular consequence: missense variant.
Genome position (GRCh38, 1-based): chr18:57,691,819, G>T on the plus strand (C>A on the coding strand, the complement: ATP8B1 is on the minus strand). VCF-style: chr18-57691819-G-T. GRCh37 (hg19) VCF-style: chr18-55359051-G-T.
Other names: c.1058C>A, p.Ser353Tyr (NM_001374386.1); c.1208C>A, p.Ser403Tyr (NM_005603.6); short protein forms S353Y, S403Y.
Identifiers: ClinVar variation 4846285 (VCV004846285.1).
Genomic context (GRCh38, chr18:57,691,819, plus strand): 5'-GTACAACATTCTTCCATTAAAGCAAAATGCCAGAGAGGACAGCCTTACCTGACATAGAGA[G>T]AGATGGGTACCATGGTGTTGAGAACAATGATATAGCCCCAGAAAATGAGGAATCCACGGT-3'
Protein context (NP_001361314.1, residues 393-413): IIVLNTMVPI[Ser403Tyr]LYVSVEVIRL

ClinVar aggregate classification (germline): Uncertain significance (1 of 4 stars; one submission).

Conditions:
Familial intrahepatic cholestasis. Identifiers: Orphanet 284385, MedGen CN296401, MONDO:0017290.

Submission:

Genomenon, Inc
Classification: Uncertain significance for Familial intrahepatic cholestasis. Last evaluated: 2026-04-14. Review status: criteria provided, single submitter. Criteria: Genomenon Sequence Variant Interpretation Standards - Updated. Collection method: curation. Allele origin: germline. Affected: yes.
Comment: ATP8B1 p.Ser403Tyr (c.1208C>A) is a missense variant that changes the amino acid at residue 403 from Serine to Tyrosine. This variant has been observed in at least one proband with features of ATP8B1-deficiency (PMID:12149765). Functional studies have been reported (PMID:35349344). It is absent or not present at a significant frequency in gnomAD. In silico models predict that this variant is possibly or probably damaging. In conclusion, we classify ATP8B1 p.Ser403Tyr (c.1208C>A) as a variant of uncertain significance.

Literature cited by the submitters: PubMed 12149765; PubMed 35349344.